The following is an entry in ClinVar:

NM_012469.4(PRPF6):c.674G>A (p.Gly225Glu)

Gene: PRPF6 (pre-mRNA processing factor 6; plus strand). Cytogenetic location: 20q13.33.
Variant type: single nucleotide variant.
Coding change: c.674G>A on transcript NM_012469.4 (MANE Select); coding-DNA position 674, G replaced by A.
Protein change: p.Gly225Glu; replaces glycine 225 with glutamic acid.
Molecular consequence: missense variant.
Genome position (GRCh38, 1-based): chr20:63,995,385, G>A. VCF-style: chr20-63995385-G-A. GRCh37 (hg19) VCF-style: chr20-62626738-G-A.
Other names: short protein forms G225E.
Identifiers: ClinVar variation 2813952 (VCV002813952.3), dbSNP rs2059136904, ClinGen allele CA409716316.

ClinVar aggregate classification (germline): Uncertain significance (1 of 4 stars; one submission).

Allele frequency attached by ClinVar (database versions not stated): TOPMed below 0.00001.

Submission:

Labcorp Genetics (formerly Invitae), Labcorp
Classification: Uncertain significance. Last evaluated: 2022-11-12. Review status: criteria provided, single submitter. Criteria: Invitae Variant Classification Sherloc (09022015). Collection method: clinical testing. Allele origin: germline.
Comment: This sequence change replaces glycine, which is neutral and non-polar, with glutamic acid, which is acidic and polar, at codon 225 of the PRPF6 protein (p.Gly225Glu). This variant is not present in population databases (gnomAD no frequency). This variant has not been reported in the literature in individuals affected with PRPF6-related conditions. Algorithms developed to predict the effect of missense changes on protein structure and function (SIFT, PolyPhen-2, Align-GVGD) all suggest that this variant is likely to be tolerated. In summary, the available evidence is currently insufficient to determine the role of this variant in disease. Therefore, it has been classified as a Variant of Uncertain Significance.